The following is an entry in ClinVar:

ClinVar aggregate classification (germline): Pathogenic (1 of 4 stars; one submission).

Submission:

GeneDx
Classification: Pathogenic. Last evaluated: 2024-08-08. Review status: criteria provided, single submitter. Criteria: GeneDx Variant Classification Process June 2021. Collection method: clinical testing. Allele origin: germline. Affected: yes.
Comment: Canonical splice site variant predicted to result in a null allele in a gene for which loss of function is a known mechanism of disease (PMID: 26671848); Not observed at significant frequency in large population cohorts (gnomAD); This variant is associated with the following publications: (PMID: 26671848)

NM_018486.3(HDAC8):c.910+1G>A

Gene: HDAC8 (histone deacetylase 8; minus strand). Cytogenetic location: Xq13.1.
Variant type: single nucleotide variant.
Coding change: c.910+1G>A on transcript NM_018486.3 (MANE Select); the canonical splice donor site of the intron after coding-DNA position 910, G replaced by A.
Molecular consequence: splice donor variant.
Genome position (GRCh38, 1-based): chrX:72,464,558, C>T on the plus strand (G>A on the coding strand, the complement: HDAC8 is on the minus strand). VCF-style: chrX-72464558-C-T. GRCh37 (hg19) VCF-style: chrX-71684408-C-T.
Other names: c.637+1G>A (NM_001166418.2, NM_001410728.1); c.832+1G>A (NM_001410727.1); c.910+1G>A (NM_001410725.1, NM_001410729.1).
Identifiers: ClinVar variation 3602918 (VCV003602918.1).
Genomic context (GRCh38, chrX:72,464,558, plus strand): 5'-TGCCAATGGACAAAATGTGGAGGAAGGTCAACAAATTCTGGTAACCTTCCTTTATACTCA[C>T]CTCCTCCCAAAATGAGTGTTGCCAACTGCCATTGAAGGATGTACTTAAGACACTTGCCAA-3'